The following is an entry in ClinVar:

NM_004360.5(CDH1):c.247A>G (p.Ile83Val)

Gene: CDH1 (cadherin 1; plus strand). Cytogenetic location: 16q22.1.
Variant type: single nucleotide variant.
Coding change: c.247A>G on transcript NM_004360.5 (MANE Select); coding-DNA position 247, A replaced by G.
Protein change: p.Ile83Val; replaces isoleucine 83 with valine.
Molecular consequence: missense variant. On other transcripts: 5 prime UTR variant (2).
Genome position (GRCh38, 1-based): chr16:68,801,753, A>G. VCF-style: chr16-68801753-A-G. GRCh37 (hg19) VCF-style: chr16-68835656-A-G.
Other names: c.247A>G, p.Ile83Val (NM_001317184.2); c.-1369A>G (NM_001317185.2); c.-1573A>G (NM_001317186.2); short protein forms I83V.
Identifiers: ClinVar variation 1042353 (VCV001042353.11), dbSNP rs1960511548, ClinGen allele CA396457233.

ClinVar aggregate classification (germline): Conflicting classifications of pathogenicity. Review status: criteria provided, conflicting classifications (1 of 4 stars). 2 submissions from 2 submitters: Uncertain significance (1); Likely benign (1). Last evaluated 2025-01-14.

Conditions:
Hereditary diffuse gastric adenocarcinoma (HDGC). Also called: DIFFUSE GASTRIC AND LOBULAR BREAST CANCER SYNDROME. Identifiers: Orphanet 26106, MedGen C1708349, MONDO:0007648, OMIM 137215.
Hereditary cancer-predisposing syndrome. Also called: Hereditary neoplastic syndrome; Neoplastic Syndromes, Hereditary; Tumor predisposition; Hereditary Cancer Syndrome. Identifiers: Orphanet 140162, MedGen C0027672, MeSH D009386, MONDO:0015356.

Allele frequency attached by ClinVar (database versions not stated): TOPMed below 0.00001.

Submissions (2):

Labcorp Genetics (formerly Invitae), Labcorp
Classification: Uncertain significance for Hereditary diffuse gastric adenocarcinoma. Last evaluated: 2025-01-14. Review status: criteria provided, single submitter. Criteria: Invitae Variant Classification Sherloc (09022015). Collection method: clinical testing. Allele origin: germline.
Comment: This sequence change replaces isoleucine, which is neutral and non-polar, with valine, which is neutral and non-polar, at codon 83 of the CDH1 protein (p.Ile83Val). This variant is not present in population databases (gnomAD no frequency). This variant has not been reported in the literature in individuals affected with CDH1-related conditions. ClinVar contains an entry for this variant (Variation ID: 1042353). An algorithm developed to predict the effect of missense changes on protein structure and function outputs the following: PolyPhen-2: "Benign". The valine amino acid residue is found in multiple mammalian species, which suggests that this missense change does not adversely affect protein function. In summary, the available evidence is currently insufficient to determine the role of this variant in disease. Therefore, it has been classified as a Variant of Uncertain Significance.

Ambry Genetics
Classification: Likely benign for Hereditary cancer-predisposing syndrome. Last evaluated: 2017-11-08. Review status: criteria provided, single submitter. Criteria: Ambry Variant Classification Scheme 2023. Collection method: clinical testing. Allele origin: germline.